The following is an entry in ClinVar:

NM_001013838.3(CARMIL2):c.2698G>A (p.Ala900Thr)

Gene: CARMIL2 (capping protein regulator and myosin 1 linker 2; plus strand). Cytogenetic location: 16q22.1.
Variant type: single nucleotide variant.
Coding change: c.2698G>A on transcript NM_001013838.3 (MANE Select); coding-DNA position 2698, G replaced by A.
Protein change: p.Ala900Thr; replaces alanine 900 with threonine.
Molecular consequence: missense variant.
Genome position (GRCh38, 1-based): chr16:67,652,220, G>A. VCF-style: chr16-67652220-G-A. GRCh37 (hg19) VCF-style: chr16-67686123-G-A.
Other names: c.2590G>A, p.Ala864Thr (NM_001317026.3); short protein forms A864T, A900T.
Identifiers: ClinVar variation 3615018 (VCV003615018.2).

ClinVar aggregate classification (germline): Uncertain significance (1 of 4 stars; one submission).

gnomAD v4.1: 4 of 1,612,734 alleles (0.00025%); highest among the groups gnomAD compares: African/African-American, 0.004%; no homozygotes.

Submission:

Labcorp Genetics (formerly Invitae), Labcorp
Classification: Uncertain significance. Last evaluated: 2025-12-23. Review status: criteria provided, single submitter. Criteria: Invitae Variant Classification Sherloc (09022015). Collection method: clinical testing. Allele origin: germline.
Comment: This sequence change replaces alanine, which is neutral and non-polar, with threonine, which is neutral and polar, at codon 900 of the CARMIL2 protein (p.Ala900Thr). This variant is present in population databases (rs761866777, gnomAD 0.007%). This variant has not been reported in the literature in individuals affected with CARMIL2-related conditions. ClinVar contains an entry for this variant (Variation ID: 3615018). Invitae Evidence Modeling of protein sequence and biophysical properties (such as structural, functional, and spatial information, amino acid conservation, physicochemical variation, residue mobility, and thermodynamic stability) indicates that this missense variant is not expected to disrupt CARMIL2 protein function with a negative predictive value of 80%. In summary, the available evidence is currently insufficient to determine the role of this variant in disease. Therefore, it has been classified as a Variant of Uncertain Significance.